The following is an entry in ClinVar:

NM_004364.5(CEBPA):c.789C>T (p.Leu263=)

Gene: CEBPA (CCAAT enhancer binding protein alpha; minus strand). Cytogenetic location: 19q13.11.
Variant type: single nucleotide variant.
Coding change: c.789C>T on transcript NM_004364.5 (MANE Select); coding-DNA position 789, C replaced by T.
Protein change: p.Leu263=; no amino-acid change (leucine 263 retained).
Molecular consequence: synonymous variant.
Genome position (GRCh38, 1-based): chr19:33,301,626, G>A on the plus strand (C>T on the coding strand, the complement: CEBPA is on the minus strand). VCF-style: chr19-33301626-G-A. GRCh37 (hg19) VCF-style: chr19-33792532-G-A.
Other names: c.432C>T, p.Leu144= (NM_001285829.2); c.894C>T, p.Leu298= (NM_001287424.2); c.747C>T, p.Leu249= (NM_001287435.2); c.789C>T (NM_004364.3).
Identifiers: ClinVar variation 456703 (VCV000456703.19), dbSNP rs552131738, ClinGen allele CA9363692.

ClinVar aggregate classification (germline): Likely benign. Review status: criteria provided, multiple submitters, no conflicts (2 of 4 stars). 5 submissions from 5 submitters: Likely benign (4). 1 of the submissions does not count toward it. Last evaluated 2026-01-26.

Conditions:
CEBPA-related disorder. Also called: CEBPA-related condition.
Inborn genetic diseases. Identifiers: MedGen C0950123, MeSH D030342.
Acute myeloid leukemia (AML). Also called: Leukemia, acute myeloid, somatic; Leukemia, acute myelogenous, somatic; Acute myeloid leukemia, adult; AML adult; Acute non-lymphocytic leukemia; Acute granulocytic leukemia. Identifiers: Orphanet 519, MedGen C0023467, MeSH D015470, MONDO:0018874, OMIM 601626, HP:0004808. Disease mechanism: Constitutively activated FLT3.

Allele frequency attached by ClinVar (database versions not stated): gnomAD exomes 0.00003 and 0.00006; ExAC 0.00004; 1000 Genomes Project 0.00020; TOPMed 0.00025; gnomAD 0.00028; 1000 Genomes Project 30x 0.00047.

Submissions (5):

Labcorp Genetics (formerly Invitae), Labcorp
Classification: Likely benign for Acute myeloid leukemia. Last evaluated: 2026-01-26. Review status: criteria provided, single submitter. Criteria: Invitae Variant Classification Sherloc (09022015). Collection method: clinical testing. Allele origin: germline.

Blueprint Genetics
Classification: Likely benign. Last evaluated: 2024-10-23. Review status: criteria provided, single submitter. Criteria: ACMG Guidelines, 2015. Collection method: clinical testing. Allele origin: germline.

Ambry Genetics
Classification: Likely benign for Inborn genetic diseases. Last evaluated: 2024-08-21. Review status: criteria provided, single submitter. Criteria: Ambry Variant Classification Scheme 2023. Collection method: clinical testing. Allele origin: germline.

Genetic Services Laboratory, University of Chicago
Classification: Likely benign. Last evaluated: 2022-01-03. Review status: criteria provided, single submitter. Criteria: ACMG Guidelines, 2015. Collection method: clinical testing. Allele origin: germline. Affected: no.

PreventionGenetics, part of Exact Sciences
Classification: Likely benign for CEBPA-related condition. Last evaluated: 2023-05-30. Review status: no assertion criteria provided. Collection method: clinical testing. Allele origin: germline. Not counted in ClinVar's aggregate classification.
Comment: This variant is classified as likely benign based on ACMG/AMP sequence variant interpretation guidelines (Richards et al. 2015 PMID: 25741868, with internal and published modifications).